The following is an entry in ClinVar:

NM_003036.4(SKI):c.2053C>T (p.Arg685Trp)

Gene: SKI (SKI proto-oncogene; plus strand). Cytogenetic location: 1p36.32.
Variant type: single nucleotide variant.
Coding change: c.2053C>T on transcript NM_003036.4 (MANE Select); coding-DNA position 2053, C replaced by T.
Protein change: p.Arg685Trp; replaces arginine 685 with tryptophan.
Molecular consequence: missense variant.
Genome position (GRCh38, 1-based): chr1:2,306,631, C>T. VCF-style: chr1-2306631-C-T. GRCh37 (hg19) VCF-style: chr1-2238070-C-T.
Other names: short protein forms R685W.
Identifiers: ClinVar variation 2867193 (VCV002867193.3), dbSNP rs2521522125, ClinGen allele CA337959639.

ClinVar aggregate classification (germline): Uncertain significance (1 of 4 stars; one submission).

Conditions:
Shprintzen-Goldberg syndrome (SGS). Also called: SHPRINTZEN-GOLDBERG CRANIOSYNOSTOSIS SYNDROME; CRANIOSYNOSTOSIS WITH ARACHNODACTYLY AND ABDOMINAL HERNIAS; Marfanoid disorder with craniosynostosis type 1; Marfanoid craniosynostosis syndrome; Shprintzen-Goldberg marfanoid syndrome. Identifiers: Orphanet 2462, MedGen C1321551, MONDO:0008426, OMIM 182212.

Allele frequency attached by ClinVar (database versions not stated): gnomAD exomes below 0.00001.
gnomAD v4.1: 1 of 1,544,708 alleles (0.000065%); highest among the groups gnomAD compares: Non-Finnish European, 0.000087%; no homozygotes.

Submission:

Labcorp Genetics (formerly Invitae), Labcorp
Classification: Uncertain significance for Shprintzen-Goldberg syndrome. Last evaluated: 2024-01-20. Review status: criteria provided, single submitter. Criteria: Invitae Variant Classification Sherloc (09022015). Collection method: clinical testing. Allele origin: germline.
Comment: This sequence change replaces arginine, which is basic and polar, with tryptophan, which is neutral and slightly polar, at codon 685 of the SKI protein (p.Arg685Trp). This variant is not present in population databases (gnomAD no frequency). This variant has not been reported in the literature in individuals affected with SKI-related conditions. Advanced modeling of protein sequence and biophysical properties (such as structural, functional, and spatial information, amino acid conservation, physicochemical variation, residue mobility, and thermodynamic stability) has been performed at Invitae for this missense variant, however the output from this modeling did not meet the statistical confidence thresholds required to predict the impact of this variant on SKI protein function. In summary, the available evidence is currently insufficient to determine the role of this variant in disease. Therefore, it has been classified as a Variant of Uncertain Significance.